The following is an entry in ClinVar:

ClinVar aggregate classification (germline): Uncertain significance (1 of 4 stars; one submission).

Conditions:
Aicardi-Goutieres syndrome 2. Identifiers: Orphanet 51, MedGen C3489724, MONDO:0012429, OMIM 610181.

Submission:

Labcorp Genetics (formerly Invitae), Labcorp
Classification: Uncertain significance for Aicardi-Goutieres syndrome 2. Last evaluated: 2022-06-26. Review status: criteria provided, single submitter. Criteria: Invitae Variant Classification Sherloc (09022015). Collection method: clinical testing. Allele origin: germline.
Comment: In summary, the available evidence is currently insufficient to determine the role of this variant in disease. Therefore, it has been classified as a Variant of Uncertain Significance. Experimental studies and prediction algorithms are not available or were not evaluated, and the functional significance of this variant is currently unknown. This variant has not been reported in the literature in individuals affected with RNASEH2B-related conditions. This variant is not present in population databases (gnomAD no frequency). This sequence change results in a frameshift in the RNASEH2B gene (p.Asn305Lysfs*29). While this is not anticipated to result in nonsense mediated decay, it is expected to disrupt the last 8 amino acid(s) of the RNASEH2B protein and extend the protein by 20 additional amino acid residues.

NM_024570.4(RNASEH2B):c.915_918del (p.Asn305fs)

Gene: RNASEH2B (ribonuclease H2 subunit B; plus strand). Cytogenetic location: 13q14.3.
Variant type: Deletion.
Coding change: c.915_918del on transcript NM_024570.4 (MANE Select); coding-DNA positions 915 to 918, 4 bases deleted (TAAA; older notation c.915_918delTAAA).
Protein change: p.Asn305fs; shifts the reading frame from asparagine 305.
Molecular consequence: frameshift variant. On other transcripts: intron variant (1).
Genome position (GRCh38, 1-based): chr13:50,956,450-50,956,453, TAAA deleted; deleting any 4 consecutive bases within chr13:50,956,447-50,956,453 gives the same sequence; the c. name uses the placement nearest the transcript's 3' end. VCF-style (leftmost placement, unchanged base first): chr13-50956446-AAAAT-A. GRCh37 (hg19) VCF-style: chr13-51530582-AAAAT-A.
Other names: c.741+6945_741+6948del (NM_001142279.2); short protein forms N305fs.
Identifiers: ClinVar variation 1492873 (VCV001492873.6), dbSNP rs2138027647, ClinGen allele CA2573149682.